The following is an entry in ClinVar:

ClinVar aggregate classification (germline): Pathogenic (1 of 4 stars; one submission).

Conditions:
DICER1-related tumor predisposition. Also called: DICER1-related pleuropulmonary blastoma cancer predisposition syndrome; DICER1 syndrome. Identifiers: Orphanet 284343, MedGen C3839822, MONDO:0100216.

Submission:

Foulkes Cancer Genetics LDI, Lady Davis Institute for Medical Research
Classification: Pathogenic for Pleuropulmonary blastoma. Last evaluated: 2019-07-01. Review status: criteria provided, single submitter. Criteria: ACMG Guidelines, 2015. Collection method: curation. Allele origin: germline. Affected: yes. Observed: 1 variant allele.
Comment: ACMG criteria met: PVS1, PM2, PP4

Literature cited by the submitters: PubMed 22187960.

NM_177438.3(DICER1):c.2825del (p.Pro942fs)

Gene: DICER1 (dicer 1, ribonuclease III; minus strand). Cytogenetic location: 14q32.13.
Variant type: Deletion.
Coding change: c.2825del on transcript NM_177438.3 (MANE Select); coding-DNA position 2825, one base deleted (C; older notation c.2825delC).
Protein change: p.Pro942fs; shifts the reading frame from proline 942.
Molecular consequence: frameshift variant.
Genome position (GRCh38, 1-based): chr14:95,106,203, G deleted on the plus strand (C on the coding strand, the reverse complement: DICER1 is on the minus strand); the first of 2 consecutive G bases (chr14:95,106,203-95,106,204); deleting either gives the same sequence. VCF-style (leftmost placement, unchanged base first): chr14-95106202-AG-A. GRCh37 (hg19) VCF-style: chr14-95572539-AG-A.
Other names: c.2825del, p.Pro942fs (NM_001195573.1, NM_001271282.3, NM_001291628.2 and 1 more transcripts); short protein forms P942fs.
Identifiers: ClinVar variation 933064 (VCV000933064.3), dbSNP rs1891411136, ClinGen allele CA1139663650.